The following is an entry in ClinVar:

ClinVar aggregate classification (germline): Pathogenic. Review status: criteria provided, multiple submitters, no conflicts (2 of 4 stars). 2 submissions from 2 submitters: Pathogenic (2). Last evaluated 2026-06-22.

Conditions:
Hereditary cancer-predisposing syndrome. Also called: Neoplastic Syndromes, Hereditary; Tumor predisposition; Hereditary Cancer Syndrome; Hereditary neoplastic syndrome. Identifiers: Orphanet 140162, MedGen C0027672, MeSH D009386, MONDO:0015356.
Familial cancer of breast. Also called: Hereditary breast cancer; hereditary breast carcinoma; BREAST CANCER, FAMILIAL. Identifiers: Orphanet 227535, MedGen C0346153, MONDO:0016419, OMIM 114480. Disease mechanism: loss of function.

Submissions (2):

Ambry Genetics
Classification: Pathogenic for Hereditary cancer-predisposing syndrome. Last evaluated: 2026-06-22. Review status: criteria provided, single submitter. Criteria: Ambry Variant Classification Scheme 2023. Collection method: clinical testing. Allele origin: germline.
Comment: The c.1381delA pathogenic mutation, located in coding exon 4 of the PALB2 gene, results from a deletion of one nucleotide at nucleotide position 1381, causing a translational frameshift with a predicted alternate stop codon (p.S461Vfs*24). This variant is considered to be rare based on population cohorts in the Genome Aggregation Database (gnomAD). This alteration is expected to result in loss of function by premature protein truncation or nonsense-mediated mRNA decay. As such, this alteration is interpreted as a disease-causing mutation.

Myriad Genetics, Inc.
Classification: Pathogenic for Familial cancer of breast. Last evaluated: 2026-04-30. Review status: criteria provided, single submitter. Criteria: Myriad Autosomal Dominant, Autosomal Recessive and X-Linked Classification Criteria (2023). Collection method: clinical testing. Allele origin: unknown.
Comment: This variant is considered pathogenic. This variant creates a frameshift predicted to result in premature protein truncation.

NM_024675.4(PALB2):c.1381del (p.Ser461fs)

Gene: PALB2 (partner and localizer of BRCA2; minus strand). Cytogenetic location: 16p12.2.
Variant type: Deletion.
Coding change: c.1381del on transcript NM_024675.4 (MANE Select); coding-DNA position 1381, one base deleted (A; older notation c.1381delA).
Protein change: p.Ser461fs; shifts the reading frame from serine 461.
Molecular consequence: frameshift variant. On other transcripts: intron variant (3).
Genome position (GRCh38, 1-based): chr16:23,635,165, T deleted on the plus strand (A on the coding strand, the reverse complement: PALB2 is on the minus strand); the first of 3 consecutive T bases (chr16:23,635,165-23,635,167); deleting any one gives the same sequence. VCF-style (leftmost placement, unchanged base first): chr16-23635164-CT-C. GRCh37 (hg19) VCF-style: chr16-23646485-CT-C.
Other names: c.1321del, p.Ser441fs (NM_001407296.1); c.1381del, p.Ser461fs (NM_001407297.1, NM_001407298.1, NM_001407299.1 and 3 more transcripts); c.496del, p.Ser166fs (NM_001407304.1, NM_001407305.1, NM_001407306.1 and 5 more transcripts); c.49-5890del (NM_001407314.1); c.-104-4696del (NM_001407313.1, NM_001407312.1); c.1381delA (NM_024675.3); short protein forms S166fs, S441fs, S461fs.
Identifiers: ClinVar variation 4876126 (VCV004876126.2).